The following is an entry in ClinVar:

NM_032581.4(HYCC1):c.349C>T (p.Gln117Ter)

Gene: HYCC1 (hyccin PI4KA lipid kinase complex subunit 1; minus strand). Cytogenetic location: 7p15.3.
Variant type: single nucleotide variant.
Coding change: c.349C>T on transcript NM_032581.4 (MANE Select); coding-DNA position 349, C replaced by T.
Protein change: p.Gln117Ter; replaces glutamine 117 with a stop codon.
Molecular consequence: nonsense.
Genome position (GRCh38, 1-based): chr7:22,977,406, G>A on the plus strand (C>T on the coding strand, the complement: HYCC1 is on the minus strand). VCF-style: chr7-22977406-G-A. GRCh37 (hg19) VCF-style: chr7-23017025-G-A.
Other names: c.349C>T, p.Gln117Ter (NM_001363466.2, NM_001363467.2); c.349C>T (NM_032581.3); short protein forms Q117*.
Identifiers: ClinVar variation 2503877 (VCV002503877.1), dbSNP rs2534435171, ClinGen allele CA366976393.

ClinVar aggregate classification (germline): Likely pathogenic (1 of 4 stars; one submission).

Conditions:
Hypomyelination and Congenital Cataract (HLD5). Also called: hypomyelinating leukodystrophy 5. Identifiers: Orphanet 85163, MedGen C1864663, MONDO:0012514, OMIM 610532.

Submission:

Women's Health and Genetics/Laboratory Corporation of America, LabCorp
Classification: Likely pathogenic for Hypomyelination and Congenital Cataract. Last evaluated: 2023-03-06. Review status: criteria provided, single submitter. Criteria: LabCorp Variant Classification Summary - May 2015. Collection method: clinical testing. Allele origin: germline.
Comment: Variant summary: FAM126A (HYCC1) c.349C>T (p.Gln117X) results in a premature termination codon, predicted to cause a truncation of the encoded protein or absence of the protein due to nonsense mediated decay, which are commonly known mechanisms for disease. Truncations downstream of this position have been associated with Hypomelination and congenital cataract in HGMD. The variant was absent in 249616 control chromosomes. To our knowledge, no occurrence of c.349C>T in individuals affected with Hypomyelination And Congenital Cataract and no experimental evidence demonstrating its impact on protein function have been reported. No clinical diagnostic laboratories have submitted clinical-significance assessments for this variant to ClinVar after 2014. Based on the evidence outlined above, the variant was classified as likely pathogenic.